The following is an entry in ClinVar:

NM_001005242.3(PKP2):c.2446G>A (p.Ala816Thr)

Gene: PKP2 (plakophilin 2; minus strand). Cytogenetic location: 12p11.21.
Variant type: single nucleotide variant.
Coding change: c.2446G>A on transcript NM_001005242.3 (MANE Select); coding-DNA position 2446, G replaced by A.
Protein change: p.Ala816Thr; replaces alanine 816 with threonine.
Molecular consequence: missense variant.
Genome position (GRCh38, 1-based): chr12:32,792,492, C>T on the plus strand (G>A on the coding strand, the complement: PKP2 is on the minus strand). VCF-style: chr12-32792492-C-T. GRCh37 (hg19) VCF-style: chr12-32945426-C-T.
Other names: c.2578G>A, p.Ala860Thr (NM_004572.4); short protein forms A860T, A816T.
Identifiers: ClinVar variation 925789 (VCV000925789.5), dbSNP rs1956078237, ClinGen allele CA384356817.

ClinVar aggregate classification (germline): Uncertain significance (1 of 4 stars; one submission).

Conditions:
Cardiomyopathy (CMYO). Also called: Cardiomyopathies. Identifiers: Orphanet 167848, MedGen C0878544, MONDO:0004994, HP:0001638. Inheritance: Various modes of inheritance.

Submission:

Color Diagnostics, LLC DBA Color Health
Classification: Uncertain significance for Cardiomyopathy. Last evaluated: 2023-06-09. Review status: criteria provided, single submitter. Criteria: ACMG Guidelines, 2015. Collection method: clinical testing. Allele origin: germline.
Comment: This missense variant replaces alanine with threonine at codon 860 of the PKP2 protein. Computational prediction suggests that this variant may not impact protein structure and function (internally defined REVEL score threshold <= 0.5, PMID: 27666373). To our knowledge, functional studies have not been reported for this variant. This variant has not been reported in individuals affected with PKP2-related disorders in the literature. This variant has not been identified in the general population by the Genome Aggregation Database (gnomAD). The available evidence is insufficient to determine the role of this variant in disease conclusively. Therefore, this variant is classified as a Variant of Uncertain Significance.